The following is an entry in ClinVar:

NM_205834.4(LSR):c.1565G>C (p.Arg522Pro)

Gene: LSR (lipolysis stimulated lipoprotein receptor; plus strand). Cytogenetic location: 19q13.12.
Variant type: single nucleotide variant.
Coding change: c.1565G>C on transcript NM_205834.4 (MANE Select); coding-DNA position 1565, G replaced by C.
Protein change: p.Arg522Pro; replaces arginine 522 with proline.
Molecular consequence: missense variant.
Genome position (GRCh38, 1-based): chr19:35,267,529, G>C. VCF-style: chr19-35267529-G-C. GRCh37 (hg19) VCF-style: chr19-35758432-G-C.
Other names: c.1505G>C, p.Arg502Pro (NM_001260489.2); c.1241G>C, p.Arg414Pro (NM_001260490.2); c.1358G>C, p.Arg453Pro (NM_001385215.1); c.1508G>C, p.Arg503Pro (NM_015925.7); c.1361G>C, p.Arg454Pro (NM_205835.4); short protein forms R414P, R502P, R503P, R522P, R453P, R454P.
Identifiers: ClinVar variation 4991962 (VCV004991962.1).

ClinVar aggregate classification (germline): Uncertain significance (1 of 4 stars; one submission).

Conditions:
LSR-related condition.

gnomAD v4.1: 3 of 1,612,004 alleles (0.00019%); highest among the groups gnomAD compares: Non-Finnish European, 0.00025%; no homozygotes.

Submission:

PreventionGenetics, part of Exact Sciences
Classification: Uncertain significance for LSR-related condition. Last evaluated: 2026-08-26. Review status: criteria provided, single submitter. Criteria: ACMG Guidelines, 2015. Collection method: clinical testing. Allele origin: germline.
Comment: The LSR c.1709G>C variant is predicted to result in the amino acid substitution p.Arg570Pro. To our knowledge, this variant has not been reported in the literature. This variant is reported in 0.00092% of alleles in individuals of European (Non-Finnish) descent in gnomAD. At this time, the clinical significance of this variant is uncertain due to the absence of conclusive functional and genetic evidence.